The following is an entry in ClinVar:

NM_000218.3(KCNQ1):c.1394-6817T>C

Genes: KCNQ1 (potassium voltage-gated channel subfamily Q member 1; plus strand), KCNQ1OT1 (KCNQ1 opposite strand/antisense transcript 1; minus strand). Cytogenetic location: 11p15.5.
Variant type: single nucleotide variant.
Coding change: c.1394-6817T>C on transcript NM_000218.3 (MANE Select); 6817 bases into the intron before coding-DNA position 1394, T replaced by C.
Molecular consequence: intron variant.
Genome position (GRCh38, 1-based): chr11:2,655,144, T>C. VCF-style: chr11-2655144-T-C. GRCh37 (hg19) VCF-style: chr11-2676374-T-C.
Other names: c.1124-6817T>C (NM_001406837.1); c.1298-6817T>C (NM_001406836.1); c.854-6817T>C (NM_001406838.1); c.1013-6817T>C (NM_181798.2); c.1394-6817T>C (NM_000218.2).
Identifiers: ClinVar variation 1879178 (VCV001879178.30), dbSNP rs551300254, ClinGen allele CA216166000.

ClinVar aggregate classification (germline): Benign. Review status: criteria provided, single submitter (1 of 4 stars). 2 submissions from 2 submitters: Benign (1). 1 of the submissions does not count toward it. Last evaluated 2026-09-01.

Conditions:
KCNQ1-related disorder. Also called: KCNQ1-related condition; KCNQ1-related disorders. Identifiers: MedGen CN239322.

Allele frequency attached by ClinVar (database versions not stated): 1000 Genomes Project 0.00060; 1000 Genomes Project 30x 0.00062.
gnomAD v4.1: 499 of 398,652 alleles (0.13%); highest among the groups gnomAD compares: Middle Eastern, 0.19%; 2 homozygotes.

Submissions (2):

CeGaT Center for Human Genetics Tuebingen
Classification: Benign. Last evaluated: 2026-09-01. Review status: criteria provided, single submitter. Criteria: CeGaT Center For Human Genetics Tuebingen Variant Classification Criteria Version 2. Collection method: clinical testing. Allele origin: germline. Affected: yes. Observed: 21 variant alleles.
Comment: KCNQ1OT1: BS1, BS2

PreventionGenetics, part of Exact Sciences
Classification: Likely benign for KCNQ1-related condition. Last evaluated: 2023-05-02. Review status: no assertion criteria provided. Collection method: clinical testing. Allele origin: germline. Not counted in ClinVar's aggregate classification.
Comment: This variant is classified as likely benign based on ACMG/AMP sequence variant interpretation guidelines (Richards et al. 2015 PMID: 25741868, with internal and published modifications).